The following is an entry in ClinVar:

ClinVar aggregate classification (germline): Conflicting classifications of pathogenicity. Review status: criteria provided, conflicting classifications (1 of 4 stars). 3 submissions from 3 submitters: Uncertain significance (1); Likely benign (2). Last evaluated 2026-03-24.

Conditions:
PLEC-related disorder. Also called: PLEC-related condition; PLEC-related disorders.
Epidermolysis bullosa simplex 5C, with pyloric atresia (EBS5C). Also called: PLEC-Related Epidermolysis Bullosa with Pyloric Atresia; Epidermolysis bullosa simplex with pyloric atresia; PLEC1-Related Epidermolysis Bullosa with Pyloric Atresia. Identifiers: Orphanet 158684, MedGen C2677349, MONDO:0012807, OMIM 612138.
Epidermolysis bullosa simplex with nail dystrophy (EBS5D). Identifiers: MedGen C4225309, MONDO:0014661, OMIM 616487.
Autosomal recessive limb-girdle muscular dystrophy type 2Q (LGMDR17). Also called: MUSCULAR DYSTROPHY, LIMB-GIRDLE, AUTOSOMAL RECESSIVE 17. Identifiers: Orphanet 254361, MedGen C3150989, MONDO:0013390, OMIM 613723.
Epidermolysis bullosa simplex, Ogna type (EBS5A). Also called: Pidermolysis bullosa simplex 5A, Ogna type; EPIDERMOLYSIS BULLOSA SIMPLEX 5A, OGNA TYPE. Identifiers: Orphanet 79401, MedGen C0432317, MONDO:0007555, OMIM 131950.
Epidermolysis bullosa simplex 5B, with muscular dystrophy (EBS5B). Also called: EPIDERMOLYSIS BULLOSA SIMPLEX AND LIMB-GIRDLE MUSCULAR DYSTROPHY; Epidermolysis bullosa simplex with muscular dystrophy. Identifiers: Orphanet 257, MedGen C2931072, MONDO:0009181, OMIM 226670.

Allele frequency attached by ClinVar (database versions not stated): TOPMed 0.00005; ESP Exome Variant Server 0.00015.
gnomAD v4.1: 88 of 1,609,782 alleles (0.0055%); highest among the groups gnomAD compares: Middle Eastern, 0.016%; no homozygotes.

Submissions (3):

PreventionGenetics, part of Exact Sciences
Classification: Likely benign for PLEC-related condition. Last evaluated: 2026-03-24. Review status: criteria provided, single submitter. Criteria: ACMG Guidelines, 2015. Collection method: clinical testing. Allele origin: germline.
Comment: This variant is classified as likely benign based on ACMG/AMP sequence variant interpretation guidelines (Richards et al. 2015 PMID: 25741868, with internal and published modifications).

Labcorp Genetics (formerly Invitae), Labcorp
Classification: Likely benign for Autosomal recessive limb-girdle muscular dystrophy type 2Q; Epidermolysis bullosa simplex, Ogna type; Epidermolysis bullosa simplex with nail dystrophy; Epidermolysis bullosa simplex 5C, with pyloric atresia; Epidermolysis bullosa simplex 5B, with muscular dystrophy. Last evaluated: 2025-02-13. Review status: criteria provided, single submitter. Criteria: Invitae Variant Classification Sherloc (09022015). Collection method: clinical testing. Allele origin: germline.

Eurofins Ntd Llc (ga)
Classification: Uncertain significance. Last evaluated: 2016-04-27. Review status: criteria provided, single submitter. Criteria: EGL Classification Definitions 2015. Collection method: clinical testing. Allele origin: germline. Observed: 1 variant allele, 1 heterozygote.

NM_201384.3(PLEC):c.10869C>T (p.Ile3623=)

Gene: PLEC (plectin; minus strand). Cytogenetic location: 8q24.3.
Variant type: single nucleotide variant.
Coding change: c.10869C>T on transcript NM_201384.3 (MANE Select); coding-DNA position 10869, C replaced by T.
Protein change: p.Ile3623=; no amino-acid change (isoleucine 3623 retained).
Molecular consequence: synonymous variant.
Genome position (GRCh38, 1-based): chr8:143,918,952, G>A on the plus strand (C>T on the coding strand, the complement: PLEC is on the minus strand). VCF-style: chr8-143918952-G-A. GRCh37 (hg19) VCF-style: chr8-144993120-G-A.
Other names: c.10950C>T, p.Ile3650= (NM_000445.5); c.10827C>T, p.Ile3609= (NM_201378.4); c.10803C>T, p.Ile3601= (NM_201379.3); c.11280C>T, p.Ile3760= (NM_201380.4); c.10773C>T, p.Ile3591= (NM_201381.3); c.10869C>T, p.Ile3623= (NM_201382.4); c.10881C>T, p.Ile3627= (NM_201383.3).
Identifiers: ClinVar variation 287128 (VCV000287128.16), dbSNP rs371565831, ClinGen allele CA4924511.